The following is an entry in ClinVar:

ClinVar aggregate classification (germline): Uncertain significance. Review status: criteria provided, multiple submitters, no conflicts (2 of 4 stars). 2 submissions from 2 submitters: Uncertain significance (2). Last evaluated 2024-03-06.

Conditions:
Cardiomyopathy (CMYO). Also called: Cardiomyopathies. Identifiers: Orphanet 167848, MedGen C0878544, MONDO:0004994, HP:0001638. Inheritance: Various modes of inheritance.
Arrhythmogenic right ventricular dysplasia 9 (ARVD9). Also called: Arrhythmogenic Right Ventricular Dysplasia/Cardiomyopathy 9; ARRHYTHMOGENIC RIGHT VENTRICULAR DYSPLASIA, FAMILIAL, 9. Identifiers: MedGen C1836906, MONDO:0012180, OMIM 609040.

Allele frequency attached by ClinVar (database versions not stated): TOPMed 0.00001.

Submissions (2):

Color Diagnostics, LLC DBA Color Health
Classification: Uncertain significance for Cardiomyopathy. Last evaluated: 2024-03-06. Review status: criteria provided, single submitter. Criteria: ACMG Guidelines, 2015. Collection method: clinical testing. Allele origin: germline.
Comment: This missense variant replaces histidine with arginine at codon 176 of the PKP2 protein. Computational prediction suggests that this variant may not impact protein structure and function (internally defined REVEL score threshold <= 0.5, PMID: 27666373). Splice site prediction tools suggest that this variant may not impact RNA splicing. To our knowledge, functional studies have not been performed for this variant. This variant has not been reported in individuals affected with cardiovascular disorders in the literature. This variant has not been identified in the general population by the Genome Aggregation Database (gnomAD). The available evidence is insufficient to determine the role of this variant in disease conclusively. Therefore, this variant is classified as a Variant of Uncertain Significance.

Labcorp Genetics (formerly Invitae), Labcorp
Classification: Uncertain significance for Arrhythmogenic right ventricular dysplasia 9. Last evaluated: 2020-03-18. Review status: criteria provided, single submitter. Criteria: Invitae Variant Classification Sherloc (09022015). Collection method: clinical testing. Allele origin: germline.
Comment: In summary, the available evidence is currently insufficient to determine the role of this variant in disease. Therefore, it has been classified as a Variant of Uncertain Significance. Algorithms developed to predict the effect of missense changes on protein structure and function (SIFT, PolyPhen-2, Align-GVGD) all suggest that this variant is likely to be tolerated, but these predictions have not been confirmed by published functional studies and their clinical significance is uncertain. This variant has not been reported in the literature in individuals with PKP2-related conditions. This variant is not present in population databases (ExAC no frequency). This sequence change replaces histidine with arginine at codon 176 of the PKP2 protein (p.His176Arg). The histidine residue is weakly conserved and there is a small physicochemical difference between histidine and arginine.

NM_001005242.3(PKP2):c.527A>G (p.His176Arg)

Gene: PKP2 (plakophilin 2; minus strand). Cytogenetic location: 12p11.21.
Variant type: single nucleotide variant.
Coding change: c.527A>G on transcript NM_001005242.3 (MANE Select); coding-DNA position 527, A replaced by G.
Protein change: p.His176Arg; replaces histidine 176 with arginine.
Molecular consequence: missense variant.
Genome position (GRCh38, 1-based): chr12:32,878,353, T>C on the plus strand (A>G on the coding strand, the complement: PKP2 is on the minus strand). VCF-style: chr12-32878353-T-C. GRCh37 (hg19) VCF-style: chr12-33031287-T-C.
Other names: c.527A>G, p.His176Arg (NM_004572.4); short protein forms H176R.
Identifiers: ClinVar variation 926066 (VCV000926066.12), dbSNP rs1380823797, ClinGen allele CA384364728.